The following is an entry in ClinVar:

NM_001376.5(DYNC1H1):c.4628G>A (p.Arg1543Gln)

Gene: DYNC1H1 (dynein cytoplasmic 1 heavy chain 1; plus strand). Cytogenetic location: 14q32.31.
Variant type: single nucleotide variant.
Coding change: c.4628G>A on transcript NM_001376.5 (MANE Select); coding-DNA position 4628, G replaced by A.
Protein change: p.Arg1543Gln; replaces arginine 1543 with glutamine.
Molecular consequence: missense variant.
Genome position (GRCh38, 1-based): chr14:102,002,622, G>A. VCF-style: chr14-102002622-G-A. GRCh37 (hg19) VCF-style: chr14-102468959-G-A.
Other names: short protein forms R1543Q.
Identifiers: ClinVar variation 3252361 (VCV003252361.2), dbSNP rs751816690.

ClinVar aggregate classification (germline): Uncertain significance (1 of 4 stars; one submission).

Allele frequency attached by ClinVar (database versions not stated): gnomAD exomes below 0.00001; TOPMed below 0.00001; ExAC 0.00001.
gnomAD v4.1: 2 of 1,614,142 alleles (0.00012%); highest among the groups gnomAD compares: East Asian, 0.0022%; no homozygotes.

Submission:

GeneDx
Classification: Uncertain significance. Last evaluated: 2026-06-18. Review status: criteria provided, single submitter. Criteria: GeneDx Variant Classification Process June 2021. Collection method: clinical testing. Allele origin: germline.
Comment: Not observed at significant frequency in large population cohorts (gnomAD); In silico analysis suggests that this missense variant does not alter protein structure/function; Has not been previously published as pathogenic or benign to our knowledge; This variant is associated with the following publications: (PMID: 25512093, 25609763, 26100331)